The following is an entry in ClinVar:

ClinVar aggregate classification (germline): Uncertain significance (1 of 4 stars; one submission).

Submission:

Labcorp Genetics (formerly Invitae), Labcorp
Classification: Uncertain significance. Last evaluated: 2022-07-12. Review status: criteria provided, single submitter. Criteria: Invitae Variant Classification Sherloc (09022015). Collection method: clinical testing. Allele origin: germline.
Comment: In summary, the available evidence is currently insufficient to determine the role of this variant in disease. Therefore, it has been classified as a Variant of Uncertain Significance. This variant has not been reported in the literature in individuals affected with SLC9A3-related conditions. This variant results in a copy number gain of the genomic region encompassing exon(s) 1-5 of the SLC9A3 gene. This region includes the initiator codon of the gene. This copy number gain extends beyond the assayed region for this gene and therefore may encompass additional genes. As the precise location of this event is unknown, it may be in tandem or it may be located elsewhere in the genome.

NC_000005.9:g.(?_484615)_(524437_?)dup

Gene: SLC9A3 (solute carrier family 9 member A3). Cytogenetic location: 5p15.33.
Variant type: Duplication.
Identifiers: ClinVar variation 1432879 (VCV001432879.5).